The following is an entry in ClinVar:

NM_005883.3(APC2):c.3561G>C (p.Gly1187=)

Gene: APC2 (APC regulator of Wnt signaling pathway 2; plus strand). Cytogenetic location: 19p13.3.
Variant type: single nucleotide variant.
Coding change: c.3561G>C on transcript NM_005883.3 (MANE Select); coding-DNA position 3561, G replaced by C.
Protein change: p.Gly1187=; no amino-acid change (glycine 1187 retained).
Molecular consequence: synonymous variant.
Genome position (GRCh38, 1-based): chr19:1,466,862, G>C. VCF-style: chr19-1466862-G-C. GRCh37 (hg19) VCF-style: chr19-1466861-G-C.
Other names: c.3558G>C, p.Gly1186= (NM_001351273.1).
Identifiers: ClinVar variation 3350765 (VCV003350765.1).

ClinVar aggregate classification (germline): Likely benign (0 of 4 stars; one submission).

Conditions:
APC2-related disorder. Also called: APC2-Related Disorders; APC2-related condition.

Submission:

PreventionGenetics, part of Exact Sciences
Classification: Likely benign for APC2-related condition. Last evaluated: 2019-07-16. Review status: no assertion criteria provided. Collection method: clinical testing. Allele origin: germline.
Comment: This variant is classified as likely benign based on ACMG/AMP sequence variant interpretation guidelines (Richards et al. 2015 PMID: 25741868, with internal and published modifications).